The following is an entry in ClinVar:

NM_001142699.3(DLG2):c.657G>C (p.Gly219=)

Gene: DLG2 (discs large MAGUK scaffold protein 2; minus strand). Cytogenetic location: 11q14.1.
Variant type: single nucleotide variant.
Coding change: c.657G>C on transcript NM_001142699.3 (MANE Select); coding-DNA position 657, G replaced by C.
Protein change: p.Gly219=; no amino-acid change (glycine 219 retained).
Molecular consequence: synonymous variant. On other transcripts: non-coding transcript variant (1).
Genome position (GRCh38, 1-based): chr11:84,099,015, C>G on the plus strand (G>C on the coding strand, the complement: DLG2 is on the minus strand). VCF-style: chr11-84099015-C-G. GRCh37 (hg19) VCF-style: chr11-83810058-C-G.
Other names: c.459G>C, p.Gly153= (NM_001377970.1, NM_001377971.1, NM_001377983.1 and 3 more transcripts); c.243G>C, p.Gly81= (NM_001377972.1, NM_001377974.1, NM_001377975.1); c.216G>C, p.Gly72= (NM_001377973.1); c.189G>C, p.Gly63= (NM_001142700.2); c.342G>C, p.Gly114= (NM_001300983.1, NM_001364.3, NM_001377968.1); c.693G>C, p.Gly231= (NM_001351274.2); c.690G>C, p.Gly230= (NM_001351275.2); c.399G>C, p.Gly133= (NM_001351276.2).
Identifiers: ClinVar variation 2642237 (VCV002642237.24), dbSNP rs758852622, ClinGen allele CA6211861.

ClinVar aggregate classification (germline): Likely benign (1 of 4 stars; one submission).

Allele frequency attached by ClinVar (database versions not stated): gnomAD 0.00003; TOPMed 0.00004.
gnomAD v4.1: 70 of 1,613,268 alleles (0.0043%); highest among the groups gnomAD compares: Middle Eastern, 0.18%; no homozygotes.

Submission:

CeGaT Center for Human Genetics Tuebingen
Classification: Likely benign. Last evaluated: 2023-02-01. Review status: criteria provided, single submitter. Criteria: CeGaT Center For Human Genetics Tuebingen Variant Classification Criteria Version 2. Collection method: clinical testing. Allele origin: germline. Affected: yes. Observed: 1 variant allele.
Comment: DLG2: BP4, BP7